The following is an entry in ClinVar:

ClinVar aggregate classification (germline): Uncertain significance (1 of 4 stars; one submission).

Conditions:
Loeys-Dietz syndrome 4 (LDS4). Also called: TGFB2-Related Loeys-Dietz Syndrome; ANEURYSM, AORTIC AND CEREBRAL, WITH ARTERIAL TORTUOSITY AND SKELETAL MANIFESTATIONS. Identifiers: MedGen C3553762, MONDO:0013897, OMIM 614816.

Allele frequency attached by ClinVar (database versions not stated): gnomAD exomes below 0.00001.
gnomAD v4.1: 1 of 1,614,132 alleles (0.000062%); highest among the groups gnomAD compares: South Asian, 0.0011%; no homozygotes.

Submission:

Labcorp Genetics (formerly Invitae), Labcorp
Classification: Uncertain significance for Loeys-Dietz syndrome 4. Last evaluated: 2021-11-17. Review status: criteria provided, single submitter. Criteria: Invitae Variant Classification Sherloc (09022015). Collection method: clinical testing. Allele origin: germline.
Comment: In summary, the available evidence is currently insufficient to determine the role of this variant in disease. Therefore, it has been classified as a Variant of Uncertain Significance. Algorithms developed to predict the effect of missense changes on protein structure and function are either unavailable or do not agree on the potential impact of this missense change (SIFT: "Deleterious"; PolyPhen-2: "Probably Damaging"; Align-GVGD: "Class C15"). This variant has not been reported in the literature in individuals affected with TGFB2-related conditions. This variant is not present in population databases (gnomAD no frequency). This sequence change replaces glycine, which is neutral and non-polar, with glutamic acid, which is acidic and polar, at codon 42 of the TGFB2 protein (p.Gly42Glu).

NM_003238.6(TGFB2):c.125G>A (p.Gly42Glu)

Gene: TGFB2 (transforming growth factor beta 2; plus strand). Cytogenetic location: 1q41.
Variant type: single nucleotide variant.
Coding change: c.125G>A on transcript NM_003238.6 (MANE Select); coding-DNA position 125, G replaced by A.
Protein change: p.Gly42Glu; replaces glycine 42 with glutamic acid.
Molecular consequence: missense variant. On other transcripts: non-coding transcript variant (2).
Genome position (GRCh38, 1-based): chr1:218,346,826, G>A. VCF-style: chr1-218346826-G-A. GRCh37 (hg19) VCF-style: chr1-218520168-G-A.
Other names: c.125G>A, p.Gly42Glu (NM_001135599.4); short protein forms G42E.
Identifiers: ClinVar variation 1441286 (VCV001441286.5), dbSNP rs1558220033, ClinGen allele CA344725341.